The following is an entry in ClinVar:

NM_001379500.1(COL18A1):c.107-11397G>T

Gene: COL18A1 (collagen type XVIII alpha 1 chain; plus strand). Cytogenetic location: 21q22.3.
Variant type: single nucleotide variant.
Coding change: c.107-11397G>T on transcript NM_001379500.1 (MANE Select); 11397 bases into the intron before coding-DNA position 107, G replaced by T.
Molecular consequence: intron variant. On other transcripts: nonsense (1).
Genome position (GRCh38, 1-based): chr21:45,456,845, G>T. VCF-style: chr21-45456845-G-T. GRCh37 (hg19) VCF-style: chr21-46876759-G-T.
Other names: c.1315G>T, p.Glu439Ter (NM_130444.3); c.646+669G>T (NM_030582.4); short protein forms E439*.
Identifiers: ClinVar variation 2573470 (VCV002573470.1), dbSNP rs576722048, ClinGen allele CA321896046.

ClinVar aggregate classification (germline): Uncertain significance (1 of 4 stars; one submission).

Allele frequency attached by ClinVar (database versions not stated): gnomAD exomes 0.00006; 1000 Genomes Project 0.00020; 1000 Genomes Project 30x 0.00031.
gnomAD v4.1: 85 of 1,508,704 alleles (0.0056%); highest among the groups gnomAD compares: Middle Eastern, 0.034%; no homozygotes.

Submission:

Women's Health and Genetics/Laboratory Corporation of America, LabCorp
Classification: Uncertain significance. Last evaluated: 2023-06-16. Review status: criteria provided, single submitter. Criteria: LabCorp Variant Classification Summary - May 2015. Collection method: clinical testing. Allele origin: germline.
Comment: Variant summary: COL18A1 c.107-11397G>T is located at a position not widely known to affect splicing. In an alternative isoform (NM_130444.3), this variant is also known as c. 1315G>T, p.Glu439X, however the clinical relevence of variants within this region has not been fully established. The variant allele was found at a frequency of 1.9e-05 in 106000 control chromosomes (gnomAD). The available data on variant occurrences in the general population are insufficient to allow any conclusion about variant significance. To our knowledge, no occurrence of c.107-11397G>T in individuals affected with Knobloch Syndrome 1 and no experimental evidence demonstrating its impact on protein function have been reported. No clinical diagnostic laboratories have submitted clinical-significance assessments for this variant to ClinVar after 2014. Based on the evidence outlined above, the variant was classified as uncertain significance.